The following is an entry in ClinVar:

NM_001134363.3(RBM20):c.533G>C (p.Arg178Pro)

Gene: RBM20 (RNA binding motif protein 20; plus strand). Cytogenetic location: 10q25.2.
Variant type: single nucleotide variant.
Coding change: c.533G>C on transcript NM_001134363.3 (MANE Select); coding-DNA position 533, G replaced by C.
Protein change: p.Arg178Pro; replaces arginine 178 with proline.
Molecular consequence: missense variant.
Genome position (GRCh38, 1-based): chr10:110,781,142, G>C. VCF-style: chr10-110781142-G-C. GRCh37 (hg19) VCF-style: chr10-112540900-G-C.
Other names: c.533G>C (LRG_382t1); short protein forms R178P.
Identifiers: ClinVar variation 235049 (VCV000235049.7), dbSNP rs561085365, ClinGen allele CA10581153.

ClinVar aggregate classification (germline): Conflicting classifications of pathogenicity. Review status: criteria provided, conflicting classifications (1 of 4 stars). 3 submissions from 3 submitters: Uncertain significance (2); Likely benign (1). Last evaluated 2024-09-06.

Conditions:
Cardiovascular phenotype. Identifiers: MedGen CN230736.
Dilated cardiomyopathy 1DD (CMD1DD). Identifiers: Orphanet 154, MedGen C2750995, MONDO:0013168, OMIM 613172.

gnomAD v4.1: 1 of 1,551,604 alleles (0.000064%); highest among the groups gnomAD compares: East Asian, 0.0024%; no homozygotes.

Submissions (3):

Labcorp Genetics (formerly Invitae), Labcorp
Classification: Likely benign for Dilated cardiomyopathy 1DD. Last evaluated: 2024-09-06. Review status: criteria provided, single submitter. Criteria: Invitae Variant Classification Sherloc (09022015). Collection method: clinical testing. Allele origin: germline.

Ambry Genetics
Classification: Uncertain significance for Cardiovascular phenotype. Last evaluated: 2013-10-29. Review status: criteria provided, single submitter. Criteria: Ambry Autosomal Dominant and X-Linked criteria (10/2015). Collection method: clinical testing. Allele origin: germline. Observed: 1 variant allele.
Comment: The p.R178P variant (also known as c.533G>C) is located in coding exon 2 of the RBM20 gene. This alteration results from a G to C substitution at nucleotide position 533. The arginine at codon 178 is replaced by proline, an amino acid with dissimilar properties.This variant was not reported in population-based cohorts in the following databases: Database of Single Nucleotide Polymorphisms (dbSNP), NHLBI Exome Sequencing Project (ESP) and 1000 Genomes Project.Ã¢â‚¬â€¹This amino acid position is poorly conserved on sequence alignment.This variant is predicted to be benign by PolyPhen and tolerated by SIFT in silico analyses.Since supporting evidence is limited at this time, the clinical significance of p.R178P remains unclear.

Stanford Center for Inherited Cardiovascular Disease, Stanford University
Classification: Uncertain significance. Review status: criteria provided, single submitter. Criteria: ACMG Guidelines, 2015. Collection method: provider interpretation. Allele origin: germline.